The following is an entry in ClinVar:

ClinVar aggregate classification (germline): Uncertain significance (1 of 4 stars; one submission).

Conditions:
Cardiovascular phenotype. Identifiers: MedGen CN230736.

Submission:

Ambry Genetics
Classification: Uncertain significance for Cardiovascular phenotype. Last evaluated: 2025-03-15. Review status: criteria provided, single submitter. Criteria: Ambry Variant Classification Scheme 2023. Collection method: clinical testing. Allele origin: germline.
Comment: The p.N83S variant (also known as c.248A>G), located in coding exon 3 of the SPRED1 gene, results from an A to G substitution at nucleotide position 248. The asparagine at codon 83 is replaced by serine, an amino acid with highly similar properties. This amino acid position is conserved. In addition, the in silico prediction for this alteration is inconclusive. Based on the available evidence, the clinical significance of this variant remains unclear.

NM_152594.3(SPRED1):c.248A>G (p.Asn83Ser)

Gene: SPRED1 (sprouty related EVH1 domain containing 1; plus strand). Cytogenetic location: 15q14.
Variant type: single nucleotide variant.
Coding change: c.248A>G on transcript NM_152594.3 (MANE Select); coding-DNA position 248, A replaced by G.
Protein change: p.Asn83Ser; replaces asparagine 83 with serine.
Molecular consequence: missense variant.
Genome position (GRCh38, 1-based): chr15:38,322,281, A>G. VCF-style: chr15-38322281-A-G. GRCh37 (hg19) VCF-style: chr15-38614482-A-G.
Other names: short protein forms N83S.
Identifiers: ClinVar variation 3961356 (VCV003961356.1).